The following is an entry in ClinVar:

NM_024334.3(TMEM43):c.705+55G>A

Gene: TMEM43 (transmembrane protein 43; plus strand). Cytogenetic location: 3p25.1.
Variant type: single nucleotide variant.
Coding change: c.705+55G>A on transcript NM_024334.3 (MANE Select); 55 bases into the intron after coding-DNA position 705, G replaced by A.
Molecular consequence: intron variant.
Genome position (GRCh38, 1-based): chr3:14,134,946, G>A. VCF-style: chr3-14134946-G-A. GRCh37 (hg19) VCF-style: chr3-14176446-G-A.
Identifiers: ClinVar variation 671031 (VCV000671031.2), dbSNP rs6766740, ClinGen allele CA11548272.

ClinVar aggregate classification (germline): Benign. Review status: criteria provided, multiple submitters, no conflicts (2 of 4 stars). 2 submissions from 2 submitters: Benign (2). Last evaluated 2018-06-18.

Allele frequency attached by ClinVar (database versions not stated): gnomAD 0.28601 and 0.29119; TOPMed 0.29558; gnomAD exomes 0.29584; 1000 Genomes Project 30x 0.34963; 1000 Genomes Project 0.35084.
gnomAD v4.1: 475,782 of 1,610,924 alleles (30%); highest among the groups gnomAD compares: Admixed American, 39%; 71,927 homozygotes.

Submissions (2):

GeneDx
Classification: Benign. Last evaluated: 2018-06-18. Review status: criteria provided, single submitter. Criteria: GeneDx Variant Classification (06012015). Collection method: clinical testing. Allele origin: germline. Affected: yes.
Comment: This variant is considered likely benign or benign based on one or more of the following criteria: it is a conservative change, it occurs at a poorly conserved position in the protein, it is predicted to be benign by multiple in silico algorithms, and/or has population frequency not consistent with disease.

Breakthrough Genomics
Classification: Benign. Review status: criteria provided, single submitter. Criteria: ACMG Guidelines, 2015. Collection method: not provided. Allele origin: germline. Inheritance: Autosomal dominant inheritance. Affected: yes.